The following is an entry in ClinVar:

ClinVar aggregate classification (germline): Uncertain significance (1 of 4 stars; one submission).

Conditions:
Polycystic kidney disease, adult type (PKD1). Also called: Polycystic Kidney, Autosomal Dominant; POLYCYSTIC KIDNEY DISEASE 1 WITH OR WITHOUT POLYCYSTIC LIVER DISEASE; POLYCYSTIC KIDNEY DISEASE, ADULT, TYPE I; Polycystic Kidney Disease 1, Autosomal Dominant; Polycystic kidney disease 1; Polycystic kidney disease 1, severe. Identifiers: MedGen C3149841, MONDO:0008263, OMIM 173900.

gnomAD v4.1: 6 of 1,610,228 alleles (0.00037%); highest among the groups gnomAD compares: South Asian, 0.0033%; no homozygotes.

Submission:

Neuberg Centre For Genomic Medicine, NCGM
Classification: Uncertain significance for Polycystic kidney disease, adult type. Last evaluated: 2023-05-20. Review status: criteria provided, single submitter. Criteria: ACMG Guidelines, 2015. Collection method: clinical testing. Allele origin: germline. Inheritance: Autosomal dominant inheritance. Affected: yes.
Comment: The observed missense c.6185A>G(p.Gln2062Arg) variant in PKD1 gene has not been reported previously as a pathogenic variant nor a benign variant, to our knowledge. The p.Gln2062Arg variant has been reported with allele frequency of 0.0008% in gnomAD Exomes. This variant has not been submitted to the ClinVar database. The amino acid change p.Gln2062Arg in PKD1 is predicted as conserved by GERP++ and PhyloP across 100 vertebrates. The amino acid Gln at position 2062 is changed to a Arg changing protein sequence and it might alter its composition and physico-chemical properties. Computational evidences (Polyphen - Probably Damaging, SIFT - Tolerated and MutationTaster - Polymorphism) predict conflicting evidence on protein structure and function for this variant. For these reasons, this variant has been classified as a Variant of Uncertain Significance (VUS).

NM_001009944.3(PKD1):c.6185A>G (p.Gln2062Arg)

Gene: PKD1 (polycystin 1, transient receptor potential channel interacting; minus strand). Cytogenetic location: 16p13.3.
Variant type: single nucleotide variant.
Coding change: c.6185A>G on transcript NM_001009944.3 (MANE Select); coding-DNA position 6185, A replaced by G.
Protein change: p.Gln2062Arg; replaces glutamine 2062 with arginine.
Molecular consequence: missense variant.
Genome position (GRCh38, 1-based): chr16:2,108,982, T>C on the plus strand (A>G on the coding strand, the complement: PKD1 is on the minus strand). VCF-style: chr16-2108982-T-C. GRCh37 (hg19) VCF-style: chr16-2158983-T-C.
Other names: c.6185A>G, p.Gln2062Arg (NM_000296.4); short protein forms Q2062R.
Identifiers: ClinVar variation 3341427 (VCV003341427.1).